The following is an entry in ClinVar:

ClinVar aggregate classification (germline): Likely benign. Review status: criteria provided, multiple submitters, no conflicts (2 of 4 stars). 4 submissions from 4 submitters: Likely benign (4). Last evaluated 2025-01-23.

Conditions:
Cardiovascular phenotype. Identifiers: MedGen CN230736.
Catecholaminergic polymorphic ventricular tachycardia (CVPT). Also called: Catecholamine-induced polymorphic ventricular tachycardia. Identifiers: Orphanet 3286, MedGen C5574922, MONDO:0017990.
Cardiomyopathy (CMYO). Also called: Cardiomyopathies. Identifiers: Orphanet 167848, MedGen C0878544, MONDO:0004994, HP:0001638. Inheritance: Various modes of inheritance.
Catecholaminergic polymorphic ventricular tachycardia 1. Also called: VENTRICULAR TACHYCARDIA, CATECHOLAMINERGIC POLYMORPHIC, 1, WITH OR WITHOUT ATRIAL DYSFUNCTION AND/OR DILATED CARDIOMYOPATHY; RYR2-Related Catecholaminergic Polymorphic Ventricular Tachycardia; VENTRICULAR TACHYCARDIA, STRESS-INDUCED POLYMORPHIC 1. Identifiers: Orphanet 3286, MedGen C1631597, MONDO:0011484, OMIM 604772.

Allele frequency attached by ClinVar (database versions not stated): TOPMed 0.00002; gnomAD exomes 0.00003; ExAC 0.00004; gnomAD 0.00004.
gnomAD v4.1: 41 of 1,510,916 alleles (0.0027%); highest among the groups gnomAD compares: Non-Finnish European, 0.0035%; no homozygotes.

Submissions (4):

Labcorp Genetics (formerly Invitae), Labcorp
Classification: Likely benign for Catecholaminergic polymorphic ventricular tachycardia 1. Last evaluated: 2025-01-23. Review status: criteria provided, single submitter. Criteria: Invitae Variant Classification Sherloc (09022015). Collection method: clinical testing. Allele origin: germline.

All of Us Research Program, National Institutes of Health
Classification: Likely benign for Catecholaminergic polymorphic ventricular tachycardia. Last evaluated: 2024-02-05. Review status: criteria provided, single submitter. Criteria: ACMG Guidelines, 2015. Collection method: clinical testing. Allele origin: germline. Inheritance: Autosomal dominant inheritance. Observed: 7 variant alleles, 7 heterozygotes.
Comment: This study involves interpretation of variants in research participants for the purpose of population health screening. Participant phenotype was not available at the time of variant classification. Additional details can be found in publication PMID: 35346344, PMCID: PMC8962531

Ambry Genetics
Classification: Likely benign for Cardiovascular phenotype. Last evaluated: 2020-07-15. Review status: criteria provided, single submitter. Criteria: Ambry Variant Classification Scheme 2023. Collection method: clinical testing. Allele origin: germline.

Color Diagnostics, LLC DBA Color Health
Classification: Likely benign for Cardiomyopathy. Last evaluated: 2018-11-30. Review status: criteria provided, single submitter. Criteria: ACMG Guidelines, 2015. Collection method: clinical testing. Allele origin: germline.

NM_001035.3(RYR2):c.8181C>T (p.His2727=)

Gene: RYR2 (ryanodine receptor 2; plus strand). Cytogenetic location: 1q43.
Variant type: single nucleotide variant.
Coding change: c.8181C>T on transcript NM_001035.3 (MANE Select); coding-DNA position 8181, C replaced by T.
Protein change: p.His2727=; no amino-acid change (histidine 2727 retained).
Molecular consequence: synonymous variant.
Genome position (GRCh38, 1-based): chr1:237,657,995, C>T. VCF-style: chr1-237657995-C-T. GRCh37 (hg19) VCF-style: chr1-237821295-C-T.
Other names: c.8181C>T (NM_001035.2).
Identifiers: ClinVar variation 918473 (VCV000918473.14), dbSNP rs746562398, ClinGen allele CA087575.
Genomic context (GRCh38, chr1:237,657,995, plus strand): 5'-TTCTCATAGTATTACAATTCCTGAGAAATTGGAATACTTCATTAACAAATATGCAGAACA[C>T]TCCCATGACAAATGGTCAATGGACAAGGTAAAAAGAGTATTACATTCTAATTCAGTAGTC-3'
Protein context (NP_001026.2, residues 2717-2737): LEYFINKYAE[His2727=]SHDKWSMDKL